The following is an entry in ClinVar:

ClinVar aggregate classification (germline): Uncertain significance. Review status: criteria provided, single submitter (1 of 4 stars). 2 submissions from 2 submitters: Uncertain significance (1). 1 of the submissions does not count toward it. Last evaluated 2022-09-16.

Conditions:
Body mass index quantitative trait locus 12 (BMIQ12). Also called: Obesity, susceptibility to, BMIQ12; OBESITY (BMIQ12), SUSCEPTIBILITY TO. Identifiers: MedGen C2676498, OMIM 612362.
Obesity due to prohormone convertase I deficiency. Also called: OBESITY AND ENDOCRINOPATHY DUE TO IMPAIRED PROCESSING OF PROHORMONES. Identifiers: Orphanet 71528, MedGen C1833053, MONDO:0010961, OMIM 600955.
PCSK1-related disorder. Also called: PCSK1-related condition.

Allele frequency attached by ClinVar (database versions not stated): gnomAD exomes 0.00002; gnomAD 0.00003; TOPMed 0.00003; ExAC 0.00005.
gnomAD v4.1: 37 of 1,598,374 alleles (0.0023%); highest among the groups gnomAD compares: Admixed American, 0.005%; no homozygotes.

Submissions (2):

New York Genome Center
Classification: Uncertain significance for Obesity due to prohormone convertase I deficiency; Body mass index quantitative trait locus 12. Last evaluated: 2022-09-16. Review status: criteria provided, single submitter. Criteria: NYGC Assertion Criteria 2020. Collection method: clinical testing. Allele origin: germline. Observed: 1 heterozygote.

PreventionGenetics, part of Exact Sciences
Classification: Likely benign for PCSK1-related condition. Last evaluated: 2019-03-21. Review status: no assertion criteria provided. Collection method: clinical testing. Allele origin: germline. Not counted in ClinVar's aggregate classification.
Comment: This variant is classified as likely benign based on ACMG/AMP sequence variant interpretation guidelines (Richards et al. 2015 PMID: 25741868, with internal and published modifications).

NM_000439.5(PCSK1):c.1430+7A>G

Genes: CAST (calpastatin; plus strand), PCSK1 (proprotein convertase subtilisin/kexin type 1; minus strand), LOC101929710 (uncharacterized LOC101929710; plus strand). Cytogenetic location: 5q15.
Variant type: single nucleotide variant.
Coding change: c.1430+7A>G on transcript NM_000439.5 (MANE Select); 7 bases into the intron after coding-DNA position 1430, A replaced by G.
Molecular consequence: intron variant.
Genome position (GRCh38, 1-based): chr5:96,399,946, T>C on the plus strand (A>G on the coding strand, the complement: PCSK1 is on the minus strand). VCF-style: chr5-96399946-T-C. GRCh37 (hg19) VCF-style: chr5-95735650-T-C.
Other names: c.1289+7A>G (NM_001177875.2); c.1430+7A>G (NM_000439.4).
Identifiers: ClinVar variation 2502220 (VCV002502220.3), dbSNP rs750206339, ClinGen allele CA3350225.